The following is an entry in ClinVar:

ClinVar aggregate classification (germline): Conflicting classifications of pathogenicity. Review status: criteria provided, conflicting classifications (1 of 4 stars). 4 submissions from 4 submitters: Uncertain significance (1); Benign (1); Likely benign (2). Last evaluated 2026-06-21.

Conditions:
IMPDH1-related disorder. Also called: IMPDH1-related condition; IMPDH1-related disorders.

Allele frequency attached by ClinVar (database versions not stated): gnomAD exomes 0.00002 and 0.00009; ExAC 0.00012; 1000 Genomes Project 30x 0.00016; gnomAD 0.00023 and 0.00024; TOPMed 0.00023.

Submissions (4):

PreventionGenetics, part of Exact Sciences
Classification: Likely benign for IMPDH1-related condition. Last evaluated: 2026-06-21. Review status: criteria provided, single submitter. Criteria: ACMG Guidelines, 2015. Collection method: clinical testing. Allele origin: germline.
Comment: This variant is classified as likely benign based on ACMG/AMP sequence variant interpretation guidelines (Richards et al. 2015 PMID: 25741868, with internal and published modifications).

Labcorp Genetics (formerly Invitae), Labcorp
Classification: Benign. Last evaluated: 2025-10-21. Review status: criteria provided, single submitter. Criteria: Invitae Variant Classification Sherloc (09022015). Collection method: clinical testing. Allele origin: germline.

Blueprint Genetics
Classification: Likely benign. Last evaluated: 2024-07-11. Review status: criteria provided, single submitter. Criteria: ACMG Guidelines, 2015. Collection method: clinical testing. Allele origin: germline.

Eurofins Ntd Llc (ga)
Classification: Uncertain significance. Last evaluated: 2015-02-24. Review status: criteria provided, single submitter. Criteria: EGL Classification Definitions 2015. Collection method: clinical testing. Allele origin: germline. Observed: 1 variant allele, 1 heterozygote.

NM_000883.4(IMPDH1):c.624C>G (p.Pro208=)

Gene: IMPDH1 (inosine monophosphate dehydrogenase 1; minus strand). Cytogenetic location: 7q32.1.
Variant type: single nucleotide variant.
Coding change: c.624C>G on transcript NM_000883.4 (MANE Select); coding-DNA position 624, C replaced by G.
Protein change: p.Pro208=; no amino-acid change (proline 208 retained).
Molecular consequence: synonymous variant.
Genome position (GRCh38, 1-based): chr7:128,400,495, G>C on the plus strand (C>G on the coding strand, the complement: IMPDH1 is on the minus strand). VCF-style: chr7-128400495-G-C. GRCh37 (hg19) VCF-style: chr7-128040549-G-C.
Other names: c.594C>G, p.Pro198= (NM_001102605.2); c.369C>G, p.Pro123= (NM_001142573.2); c.354C>G, p.Pro118= (NM_001142574.2); c.294C>G, p.Pro98= (NM_001142575.2); c.525C>G, p.Pro175= (NM_001142576.2); c.417C>G, p.Pro139= (NM_001304521.2); c.516C>G, p.Pro172= (NM_183243.3).
Identifiers: ClinVar variation 198755 (VCV000198755.18), dbSNP rs758909916, ClinGen allele CA247561.
Genomic context (GRCh38, chr7:128,400,495, plus strand): 5'-GGGGATGCCAGAGAAGCCATGCCGCATCTTGGCCTCCAGCACATCGCCCACAGTGTGCGA[G>C]GGGCTCAGCACCACAGGGTCCGTGATGAAGCCCTGTTCAAACTTCTGCGGGCAGAGATGG-3'
Protein context (NP_000874.2, residues 198-218): GFITDPVVLS[Pro208=]SHTVGDVLEA